The following is an entry in ClinVar:

NM_002529.4(NTRK1):c.941G>A (p.Arg314His)

Gene: NTRK1 (neurotrophic receptor tyrosine kinase 1; plus strand). Cytogenetic location: 1q23.1.
Variant type: single nucleotide variant.
Coding change: c.941G>A on transcript NM_002529.4 (MANE Select); coding-DNA position 941, G replaced by A.
Protein change: p.Arg314His; replaces arginine 314 with histidine.
Molecular consequence: missense variant.
Genome position (GRCh38, 1-based): chr1:156,873,723, G>A. VCF-style: chr1-156873723-G-A. GRCh37 (hg19) VCF-style: chr1-156843515-G-A.
Other names: c.851G>A, p.Arg284His (NM_001007792.1); c.941G>A, p.Arg314His (NM_001012331.2); short protein forms R314H, R284H.
Identifiers: ClinVar variation 526719 (VCV000526719.15), dbSNP rs368769883, ClinGen allele CA1169149.

ClinVar aggregate classification (germline): Uncertain significance. Review status: criteria provided, multiple submitters, no conflicts (2 of 4 stars). 5 submissions from 5 submitters: Uncertain significance (4). 1 of the submissions does not count toward it. Last evaluated 2023-04-11.

Conditions:
Inborn genetic diseases. Identifiers: MedGen C0950123, MeSH D030342.
Hereditary insensitivity to pain with anhidrosis (CIPA). Also called: INSENSITIVITY TO PAIN, CONGENITAL, WITH ANHIDROSIS; FAMILIAL DYSAUTONOMIA, TYPE II; NEUROPATHY, CONGENITAL SENSORY, WITH ANHIDROSIS; hereditary sensory and autonomic neuropathy type 4; NTRK1 Congenital Insensitivity to Pain with Anhidrosis; HSAN Type IV. Identifiers: Orphanet 642, MedGen C0020074, MONDO:0009746, OMIM 256800.

Allele frequency attached by ClinVar (database versions not stated): TOPMed 0.00001; gnomAD 0.00002 and 0.00003; 1000 Genomes Project 30x 0.00016; 1000 Genomes Project 0.00020.
gnomAD v4.1: 34 of 1,612,646 alleles (0.0021%); highest among the groups gnomAD compares: South Asian, 0.0066%; no homozygotes.

Submissions (5):

Genome-Nilou Lab
Classification: Uncertain significance for Hereditary insensitivity to pain with anhidrosis. Last evaluated: 2023-04-11. Review status: criteria provided, single submitter. Criteria: ACMG Guidelines, 2015. Collection method: clinical testing. Allele origin: germline. Affected: no.

Labcorp Genetics (formerly Invitae), Labcorp
Classification: Uncertain significance for Hereditary insensitivity to pain with anhidrosis. Last evaluated: 2022-08-21. Review status: criteria provided, single submitter. Criteria: Invitae Variant Classification Sherloc (09022015). Collection method: clinical testing. Allele origin: germline.
Comment: This sequence change replaces arginine, which is basic and polar, with histidine, which is basic and polar, at codon 314 of the NTRK1 protein (p.Arg314His). This variant is present in population databases (rs368769883, gnomAD 0.007%). This variant has not been reported in the literature in individuals affected with NTRK1-related conditions. ClinVar contains an entry for this variant (Variation ID: 526719). Advanced modeling of protein sequence and biophysical properties (such as structural, functional, and spatial information, amino acid conservation, physicochemical variation, residue mobility, and thermodynamic stability) performed at Invitae indicates that this missense variant is not expected to disrupt NTRK1 protein function. In summary, the available evidence is currently insufficient to determine the role of this variant in disease. Therefore, it has been classified as a Variant of Uncertain Significance.

Ambry Genetics
Classification: Uncertain significance for Inborn genetic diseases. Last evaluated: 2021-07-13. Review status: criteria provided, single submitter. Criteria: Ambry Variant Classification Scheme 2023. Collection method: clinical testing. Allele origin: germline.
Comment: The p.R314H variant (also known as c.941G>A), located in coding exon 8 of the NTRK1 gene, results from a G to A substitution at nucleotide position 941. The arginine at codon 314 is replaced by histidine, an amino acid with highly similar properties. This amino acid position is conserved. In addition, this alteration is predicted to be tolerated by in silico analysis. Since supporting evidence is limited at this time, the clinical significance of this alteration remains unclear.

Mayo Clinic Laboratories, Mayo Clinic
Classification: Uncertain significance. Last evaluated: 2021-03-12. Review status: criteria provided, single submitter. Criteria: ACMG Guidelines, 2015. Collection method: clinical testing. Allele origin: germline. Observed: 1 variant allele.

Natera, Inc.
Classification: Uncertain significance for Hereditary insensitivity to pain with anhidrosis. Last evaluated: 2020-09-16. Review status: no assertion criteria provided. Collection method: clinical testing. Allele origin: germline. Not counted in ClinVar's aggregate classification.